The following is an entry in ClinVar:

NM_000458.4(HNF1B):c.850del (p.His284fs)

Gene: HNF1B (HNF1 homeobox B; minus strand). Cytogenetic location: 17q12.
Variant type: Deletion.
Coding change: c.850del on transcript NM_000458.4 (MANE Select); coding-DNA position 850, one base deleted (C; older notation c.850delC).
Protein change: p.His284fs; shifts the reading frame from histidine 284.
Molecular consequence: frameshift variant.
Genome position (GRCh38, 1-based): chr17:37,731,790, G deleted on the plus strand (C on the coding strand, the reverse complement: HNF1B is on the minus strand); the first of 3 consecutive G bases (chr17:37,731,790-37,731,792); deleting any one gives the same sequence. VCF-style (leftmost placement, unchanged base first): chr17-37731789-TG-T. GRCh37 (hg19) VCF-style: chr17-36091780-TG-T.
Other names: c.772del, p.His258fs (NM_001165923.4, NM_001304286.2); short protein forms H258fs, H284fs.
Identifiers: ClinVar variation 635637 (VCV000635637.1), dbSNP rs2511802034, ClinGen allele CA913190774.

ClinVar aggregate classification (germline): Pathogenic (1 of 4 stars; one submission).

Conditions:
Renal cysts and diabetes syndrome (RCAD). Also called: Familial hypoplastic, glomerulocystic kidney; MATURITY-ONSET DIABETES OF THE YOUNG, TYPE 5. Identifiers: Orphanet 93111, MedGen C0431693, MONDO:0007669, OMIM 137920.

Submission:

Institute of Human Genetics, FAU Erlangen, Friedrich-Alexander-Universität Erlangen-Nürnberg
Classification: Pathogenic for Renal cysts and diabetes syndrome. Last evaluated: 2019-07-06. Review status: criteria provided, single submitter. Criteria: ACMG Guidelines, 2015. Collection method: literature only. Allele origin: germline. Affected: yes.
Comment: This variant and it's classification has been reported by Vasileiou et al. 2019; DOI:10.1101/576918. The variants has previously been reported in PMID:27297286 as "c.850del,p.His284Thrfs*43 Exon 4 frameshift" with clinical significance Pathogenic. It has been re-classified using InterVar and manual curation as Pathogenic based on PVS1 PM2 PP3.

Literature cited by the submitters: PubMed 27297286; DOI 10.1101/576918.